The following is an entry in ClinVar:

NM_000321.3(RB1):c.2266del (p.Tyr756fs)

Gene: RB1 (RB transcriptional corepressor 1; plus strand). Cytogenetic location: 13q14.2.
Variant type: Deletion.
Coding change: c.2266del on transcript NM_000321.3 (MANE Select); coding-DNA position 2266, one base deleted (T; older notation c.2266delT).
Protein change: p.Tyr756fs; shifts the reading frame from tyrosine 756.
Molecular consequence: frameshift variant.
Genome position (GRCh38, 1-based): chr13:48,465,052, T deleted. VCF-style (leftmost placement, unchanged base first): chr13-48465051-CT-C. GRCh37 (hg19) VCF-style: chr13-49039187-CT-C.
Other names: c.2266del, p.Tyr756fs (NM_001407165.1); short protein forms Y756fs.
Identifiers: ClinVar variation 2450519 (VCV002450519.2), dbSNP rs2542375272, ClinGen allele CA2580087676.
Genomic context (GRCh38, chr13:48,465,051, plus strand): 5'-TCCTCAGACATTCAAACGTGTTTTGATCAAAGAAGAGGAGTATGATTCTATTATAGTATT[CT>C]ATAACTCGGTCTTCATGCAGAGACTGAAAACAAATATTTTGCAGTATGCTTCCACCAGGG-3'

ClinVar aggregate classification (germline): Pathogenic (1 of 4 stars; one submission).

Conditions:
Hereditary cancer-predisposing syndrome. Also called: Neoplastic Syndromes, Hereditary; Tumor predisposition; Hereditary neoplastic syndrome; Hereditary Cancer Syndrome. Identifiers: Orphanet 140162, MedGen C0027672, MeSH D009386, MONDO:0015356.

Submission:

Ambry Genetics
Classification: Pathogenic for Hereditary cancer-predisposing syndrome. Last evaluated: 2023-03-06. Review status: criteria provided, single submitter. Criteria: Ambry Variant Classification Scheme 2023. Collection method: clinical testing. Allele origin: germline.
Comment: The c.2266delT pathogenic mutation, located in coding exon 22 of the RB1 gene, results from a deletion of one nucleotide at nucleotide position 2266, causing a translational frameshift with a predicted alternate stop codon (p.Y756Ifs*9). This alteration has been observed in at least one individual with a personal and/or family history that is consistent with RB1-related disease (Ambry internal data). This variant is considered to be rare based on population cohorts in the Genome Aggregation Database (gnomAD). This alteration is expected to result in loss of function by premature protein truncation or nonsense-mediated mRNA decay. As such, this alteration is interpreted as a disease-causing mutation.